The following is an entry in ClinVar:

ClinVar aggregate classification (germline): Uncertain significance. Review status: criteria provided, multiple submitters, no conflicts (2 of 4 stars). 2 submissions from 2 submitters: Uncertain significance (2). Last evaluated 2025-03-19.

Conditions:
Inborn genetic diseases. Identifiers: MedGen C0950123, MeSH D030342.

Allele frequency attached by ClinVar (database versions not stated): TOPMed below 0.00001; gnomAD 0.00001; gnomAD exomes 0.00003; ExAC 0.00006.
gnomAD v4.1: 40 of 1,604,614 alleles (0.0025%); highest among the groups gnomAD compares: Non-Finnish European, 0.0033%; no homozygotes.

Submissions (2):

Ambry Genetics
Classification: Uncertain significance for Inborn genetic diseases. Last evaluated: 2025-03-19. Review status: criteria provided, single submitter. Criteria: Ambry Variant Classification Scheme 2023. Collection method: clinical testing. Allele origin: germline.

Labcorp Genetics (formerly Invitae), Labcorp
Classification: Uncertain significance. Last evaluated: 2025-03-17. Review status: criteria provided, single submitter. Criteria: Invitae Variant Classification Sherloc (09022015). Collection method: clinical testing. Allele origin: germline.
Comment: This sequence change replaces glycine, which is neutral and non-polar, with arginine, which is basic and polar, at codon 1199 of the TUBGCP6 protein (p.Gly1199Arg). This variant is present in population databases (rs767888395, gnomAD 0.006%). This variant has not been reported in the literature in individuals affected with TUBGCP6-related conditions. ClinVar contains an entry for this variant (Variation ID: 941546). An algorithm developed to predict the effect of missense changes on protein structure and function (PolyPhen-2) suggests that this variant is likely to be disruptive. In summary, the available evidence is currently insufficient to determine the role of this variant in disease. Therefore, it has been classified as a Variant of Uncertain Significance.

NM_020461.4(TUBGCP6):c.3595G>C (p.Gly1199Arg)

Gene: TUBGCP6 (tubulin gamma complex component 6; minus strand). Cytogenetic location: 22q13.33.
Variant type: single nucleotide variant.
Coding change: c.3595G>C on transcript NM_020461.4 (MANE Select); coding-DNA position 3595, G replaced by C.
Protein change: p.Gly1199Arg; replaces glycine 1199 with arginine.
Molecular consequence: missense variant.
Genome position (GRCh38, 1-based): chr22:50,220,764, C>G on the plus strand (G>C on the coding strand, the complement: TUBGCP6 is on the minus strand). VCF-style: chr22-50220764-C-G. GRCh37 (hg19) VCF-style: chr22-50659193-C-G.
Other names: short protein forms G1199R.
Identifiers: ClinVar variation 941546 (VCV000941546.9), dbSNP rs767888395, ClinGen allele CA10307893.